The following is an entry in ClinVar:

ClinVar aggregate classification (germline): Pathogenic (0 of 4 stars; one submission).

Conditions:
Oligodontia. Identifiers: MedGen C4082304, HP:0000677.

Submission:

Department of Prosthodontics, School and Hospital of Stomatology, Hebei Medical University and Hebei Key Laboratory of Stomatology
Classification: Pathogenic for Oligodontia. Review status: no assertion criteria provided. Collection method: research. Allele origin: de novo. Affected: yes.
Comment: MutationTaster prediction for the mutation was "disease causing", suggesting the variant was highly pathogenic.

Literature cited by the submitters: PubMed 24914010.

NM_002448.3(MSX1):c.576_577insTAG (p.Gln193Ter)

Gene: MSX1 (msh homeobox 1; plus strand). Cytogenetic location: 4p16.2.
Variant type: Insertion.
Coding change: c.576_577insTAG on transcript NM_002448.3 (MANE Select); coding-DNA positions 576 to 577, TAG inserted.
Protein change: p.Gln193Ter; replaces glutamine 193 with a stop codon.
Molecular consequence: nonsense.
Genome position: GRCh38 VCF-style: chr4-4862807-C-CTAG. GRCh37 (hg19) VCF-style: chr4-4864534-C-CTAG.
Other names: short protein forms Q193*.
Identifiers: ClinVar variation 1064708 (VCV001064708.2), dbSNP rs2108778623, ClinGen allele CA2499217211.